The following is an entry in ClinVar:

ClinVar aggregate classification (germline): Pathogenic (1 of 4 stars; one submission).

Conditions:
Glycogen storage disease type III (GSD3). Also called: Cori disease; FORBES DISEASE. Identifiers: Orphanet 366, MedGen C0017922, MONDO:0009291, OMIM 232400.

Submission:

Labcorp Genetics (formerly Invitae), Labcorp
Classification: Pathogenic for Glycogen storage disease type III. Last evaluated: 2024-04-16. Review status: criteria provided, single submitter. Criteria: Invitae Variant Classification Sherloc (09022015). Collection method: clinical testing. Allele origin: germline.
Comment: This sequence change creates a premature translational stop signal (p.Arg146Lysfs*3) in the AGL gene. It is expected to result in an absent or disrupted protein product. Loss-of-function variants in AGL are known to be pathogenic (PMID: 19299494). This variant is not present in population databases (gnomAD no frequency). This variant has not been reported in the literature in individuals affected with AGL-related conditions. For these reasons, this variant has been classified as Pathogenic.

Literature cited by the submitters: PubMed 19299494.

NM_000642.3(AGL):c.436dup (p.Arg146fs)

Gene: AGL (amylo-alpha-1,6-glucosidase and 4-alpha-glucanotransferase; plus strand). Cytogenetic location: 1p21.2.
Variant type: Duplication.
Coding change: c.436dup on transcript NM_000642.3 (MANE Select); coding-DNA position 436, one base duplicated (A; older notation c.436dupA).
Protein change: p.Arg146fs; shifts the reading frame from arginine 146.
Molecular consequence: frameshift variant.
Genome position (GRCh38, 1-based): chr1:99,862,399, A duplicated. VCF-style (leftmost placement, unchanged base first): chr1-99862398-C-CA. GRCh37 (hg19) VCF-style: chr1-100327954-C-CA.
Other names: c.436dup, p.Arg146Lysfs (NM_000028.3, NM_000643.3, NM_000644.3 and 5 more transcripts); c.388dup, p.Arg130Lysfs (NM_000646.3); short protein forms R146fs, R130fs.
Identifiers: ClinVar variation 2779985 (VCV002779985.3), dbSNP rs1650122493, ClinGen allele CA1183924523.